The following is an entry in ClinVar:

NM_003190.5(TAPBP):c.886C>T (p.Leu296=)

Gene: TAPBP (TAP binding protein; minus strand). Cytogenetic location: 6p21.32.
Variant type: single nucleotide variant.
Coding change: c.886C>T on transcript NM_003190.5 (MANE Select); coding-DNA position 886, C replaced by T.
Protein change: p.Leu296=; no amino-acid change (leucine 296 retained).
Molecular consequence: synonymous variant.
Genome position (GRCh38, 1-based): chr6:33,304,621, G>A on the plus strand (C>T on the coding strand, the complement: TAPBP is on the minus strand). VCF-style: chr6-33304621-G-A. GRCh37 (hg19) VCF-style: chr6-33272398-G-A.
Other names: c.886C>T, p.Leu296= (NM_001410875.1, NM_172208.3); c.625C>T, p.Leu209= (NM_172209.3).
Identifiers: ClinVar variation 3047316 (VCV003047316.2), dbSNP rs1326100738, ClinGen allele CA449873688.

ClinVar aggregate classification (germline): Likely benign (0 of 4 stars; one submission).

Conditions:
TAPBP-related disorder. Also called: TAPBP-related condition.

Submission:

PreventionGenetics, part of Exact Sciences
Classification: Likely benign for TAPBP-related condition. Last evaluated: 2019-04-25. Review status: no assertion criteria provided. Collection method: clinical testing. Allele origin: germline.
Comment: This variant is classified as likely benign based on ACMG/AMP sequence variant interpretation guidelines (Richards et al. 2015 PMID: 25741868, with internal and published modifications).